The following is an entry in ClinVar:

NM_031935.3(HMCN1):c.9602G>A (p.Arg3201His)

Gene: HMCN1 (hemicentin 1; plus strand). Cytogenetic location: 1q31.1.
Variant type: single nucleotide variant.
Coding change: c.9602G>A on transcript NM_031935.3 (MANE Select); coding-DNA position 9602, G replaced by A.
Protein change: p.Arg3201His; replaces arginine 3201 with histidine.
Molecular consequence: missense variant.
Genome position (GRCh38, 1-based): chr1:186,088,630, G>A. VCF-style: chr1-186088630-G-A. GRCh37 (hg19) VCF-style: chr1-186057762-G-A.
Other names: c.9602G>A (NM_031935.2); short protein forms R3201H.
Identifiers: ClinVar variation 1542311 (VCV001542311.10), dbSNP rs149077801, ClinGen allele CA1293500.
Genomic context (GRCh38, chr1:186,088,630, plus strand): 5'-TTTTTATGTTTTATTGTGCTTTGTTTCTACCTCTAGAAAATTCTGACTCACTGGAAGTTC[G>A]TATTTTGTCTGGAGGTAGCAAACTCCAGATTGCCCGGTCTCAGCATTCAGATAGTGGAAA-3'
Protein context (NP_114141.2, residues 3191-3211): RIENSDSLEV[Arg3201His]ILSGGSKLQI

ClinVar aggregate classification (germline): Likely benign. Review status: criteria provided, single submitter (1 of 4 stars). 2 submissions from 2 submitters: Likely benign (1). 1 of the submissions does not count toward it. Last evaluated 2025-12-31.

Conditions:
HMCN1-related disorder. Also called: HMCN1-related condition.

Allele frequency attached by ClinVar (database versions not stated): gnomAD 0.00081 and 0.00084; TOPMed 0.00098; 1000 Genomes Project 0.00100; 1000 Genomes Project 30x 0.00109; ESP Exome Variant Server 0.00146.
gnomAD v4.1: 299 of 1,611,722 alleles (0.019%); highest among the groups gnomAD compares: African/African-American, 0.35%; 1 homozygote.

Submissions (2):

Labcorp Genetics (formerly Invitae), Labcorp
Classification: Likely benign. Last evaluated: 2025-12-31. Review status: criteria provided, single submitter. Criteria: Invitae Variant Classification Sherloc (09022015). Collection method: clinical testing. Allele origin: germline.

PreventionGenetics, part of Exact Sciences
Classification: Likely benign for HMCN1-related condition. Last evaluated: 2019-07-17. Review status: no assertion criteria provided. Collection method: clinical testing. Allele origin: germline. Not counted in ClinVar's aggregate classification.
Comment: This variant is classified as likely benign based on ACMG/AMP sequence variant interpretation guidelines (Richards et al. 2015 PMID: 25741868, with internal and published modifications).